The following is an entry in ClinVar:

ClinVar aggregate classification (germline): Likely benign. Review status: criteria provided, multiple submitters, no conflicts (2 of 4 stars). 3 submissions from 3 submitters: Likely benign (2). 1 of the submissions does not count toward it. Last evaluated 2025-12-27.

Conditions:
RASopathy. Also called: Noonan spectrum disorder; rasopathies. Identifiers: Orphanet 536391, MedGen C5555857, MONDO:0021060.
Cardiovascular phenotype. Identifiers: MedGen CN230736.
PTPN11-related disorder. Also called: PTPN11-Related Disorders.

Allele frequency attached by ClinVar (database versions not stated): TOPMed 0.00002; ExAC 0.00004.
gnomAD v4.1: 23 of 1,614,194 alleles (0.0014%); highest among the groups gnomAD compares: Admixed American, 0.017%; no homozygotes.

Submissions (3):

Labcorp Genetics (formerly Invitae), Labcorp
Classification: Likely benign for RASopathy. Last evaluated: 2025-12-27. Review status: criteria provided, single submitter. Criteria: Invitae Variant Classification Sherloc (09022015). Collection method: clinical testing. Allele origin: germline.

Ambry Genetics
Classification: Likely benign for Cardiovascular phenotype. Last evaluated: 2017-06-08. Review status: criteria provided, single submitter. Criteria: Ambry Variant Classification Scheme 2023. Collection method: clinical testing. Allele origin: germline.

PreventionGenetics, part of Exact Sciences
Classification: Likely benign for PTPN11-related condition. Last evaluated: 2024-07-22. Review status: no assertion criteria provided. Collection method: clinical testing. Allele origin: germline. Not counted in ClinVar's aggregate classification.
Comment: This variant is classified as likely benign based on ACMG/AMP sequence variant interpretation guidelines (Richards et al. 2015 PMID: 25741868, with internal and published modifications).

NM_002834.5(PTPN11):c.1266C>G (p.Thr422=)

Gene: PTPN11 (protein tyrosine phosphatase non-receptor type 11; plus strand). Cytogenetic location: 12q24.13.
Variant type: single nucleotide variant.
Coding change: c.1266C>G on transcript NM_002834.5 (MANE Select); coding-DNA position 1266, C replaced by G.
Protein change: p.Thr422=; no amino-acid change (threonine 422 retained).
Molecular consequence: synonymous variant.
Genome position (GRCh38, 1-based): chr12:112,486,516, C>G. VCF-style: chr12-112486516-C-G. GRCh37 (hg19) VCF-style: chr12-112924320-C-G.
Other names: c.1266C>G (NM_002834.4); c.1278C>G, p.Thr426= (NM_001330437.2); c.1263C>G, p.Thr421= (NM_001374625.1); c.1266C>G, p.Thr422= (NM_080601.3).
Identifiers: ClinVar variation 702540 (VCV000702540.11), dbSNP rs759848374, ClinGen allele CA6798757.